The following is an entry in ClinVar:

NM_006612.6(KIF1C):c.1136C>G (p.Ala379Gly)

Gene: KIF1C (kinesin family member 1C; plus strand). Cytogenetic location: 17p13.2.
Variant type: single nucleotide variant.
Coding change: c.1136C>G on transcript NM_006612.6 (MANE Select); coding-DNA position 1136, C replaced by G.
Protein change: p.Ala379Gly; replaces alanine 379 with glycine.
Molecular consequence: missense variant.
Genome position (GRCh38, 1-based): chr17:5,004,971, C>G. VCF-style: chr17-5004971-C-G. GRCh37 (hg19) VCF-style: chr17-4908266-C-G.
Other names: p.Ala379Gly; short protein forms A379G.
Identifiers: ClinVar variation 468849 (VCV000468849.45), dbSNP rs79290524, ClinGen allele CA8318875.

ClinVar aggregate classification (germline): Conflicting classifications of pathogenicity. Review status: criteria provided, conflicting classifications (1 of 4 stars). 5 submissions from 5 submitters: Uncertain significance (4); Likely benign (1). Last evaluated 2025-11-12.

Conditions:
Spastic ataxia 2. Also called: Ataxia, spastic, 2, autosomal recessive. Identifiers: Orphanet 397946, MedGen C1969796, MONDO:0012651, OMIM 611302.
Hereditary spastic paraplegia. Also called: Familial spastic paraparesis. Identifiers: Orphanet 685, MedGen C0037773, MONDO:0019064. Disease mechanism: loss of function.

Allele frequency attached by ClinVar (database versions not stated): 1000 Genomes Project 0.00020; 1000 Genomes Project 30x 0.00031; gnomAD exomes 0.00052 and 0.00042; ExAC 0.00054; gnomAD 0.00033 and 0.00031; ESP Exome Variant Server 0.00031; TOPMed 0.00031.
gnomAD v4.1: 806 of 1,614,240 alleles (0.05%); highest among the groups gnomAD compares: Non-Finnish European, 0.062%; 1 homozygote.

Submissions (9):

Labcorp Genetics (formerly Invitae), Labcorp
Classification: Likely benign for Spastic ataxia 2. Last evaluated: 2025-11-12. Review status: criteria provided, single submitter. Criteria: Invitae Variant Classification Sherloc (09022015). Collection method: clinical testing. Allele origin: germline.

Mayo Clinic Laboratories, Mayo Clinic
Classification: Uncertain significance. Last evaluated: 2025-03-25. Review status: criteria provided, single submitter. Criteria: ACMG Guidelines, 2015. Collection method: clinical testing. Allele origin: germline. Observed: 2 variant alleles.
Comment: PP3

Blueprint Genetics
Classification: Uncertain significance. Last evaluated: 2024-11-12. Review status: criteria provided, single submitter. Criteria: ACMG Guidelines, 2015. Collection method: clinical testing. Allele origin: germline.

CeGaT Center for Human Genetics Tuebingen
Classification: Uncertain significance. Last evaluated: 2022-09-01. Review status: criteria provided, single submitter. Criteria: CeGaT Center For Human Genetics Tuebingen Variant Classification Criteria Version 2. Collection method: clinical testing. Allele origin: germline. Affected: yes. Observed: 1 variant allele.
Comment: KIF1C: PP3

Genome Diagnostics Laboratory, The Hospital for Sick Children
Classification: Uncertain significance for Hereditary spastic paraplegia. Last evaluated: 2019-11-01. Review status: criteria provided, single submitter. Criteria: ACMG Guidelines, 2015. Collection method: clinical testing. Allele origin: germline. Affected: yes.

Dr. Peter K. Rogan Lab, Western University
No classification provided (evidence only). Condition: Lung cancer. Review status: no classification provided. Collection method: in vitro. Allele origin: not applicable. Functional consequence: retained intron. Not counted in ClinVar's aggregate classification.

Dr. Peter K. Rogan Lab, Western University
No classification provided (evidence only). Condition: Melanoma. Review status: no classification provided. Collection method: in vitro. Allele origin: not applicable. Functional consequence: retained intron. Not counted in ClinVar's aggregate classification.

Dr. Peter K. Rogan Lab, Western University
No classification provided (evidence only). Condition: Ovarian serous cystadenocarcinoma. Review status: no classification provided. Collection method: in vitro. Allele origin: not applicable. Functional consequence: retained intron. Not counted in ClinVar's aggregate classification.

Dr. Peter K. Rogan Lab, Western University
No classification provided (evidence only). Condition: Uterine carcinosarcoma. Review status: no classification provided. Collection method: in vitro. Allele origin: not applicable. Functional consequence: retained intron. Not counted in ClinVar's aggregate classification.